The following is an entry in ClinVar:

NM_000548.5(TSC2):c.2220G>T (p.Met740Ile)

Gene: TSC2 (TSC complex subunit 2; plus strand). Cytogenetic location: 16p13.3.
Variant type: single nucleotide variant.
Coding change: c.2220G>T on transcript NM_000548.5 (MANE Select); coding-DNA position 2220, G replaced by T.
Protein change: p.Met740Ile; replaces methionine 740 with isoleucine.
Molecular consequence: missense variant. On other transcripts: non-coding transcript variant (5).
Genome position (GRCh38, 1-based): chr16:2,072,363, G>T. VCF-style: chr16-2072363-G-T. GRCh37 (hg19) VCF-style: chr16-2122364-G-T.
Other names: c.2220G>T, p.Met740Ile (NM_001077183.3, NM_001114382.3, NM_001363528.2 and 6 more transcripts); c.2109G>T, p.Met703Ile (NM_001318827.2, NM_001406670.1, NM_001406678.1); c.2073G>T, p.Met691Ile (NM_001318829.2, NM_001406675.1, NM_001406676.1 and 1 more transcripts); c.1620G>T, p.Met540Ile (NM_001318831.2, NM_001406680.1, NM_001406682.1 and 6 more transcripts); c.2253G>T, p.Met751Ile (NM_001318832.2); c.2310G>T, p.Met770Ile (NM_001406667.1, NM_001406668.1); c.2208G>T, p.Met736Ile (NM_001406671.1, NM_001406673.1); c.2163G>T, p.Met721Ile (NM_001406677.1); and 3 more; short protein forms M206I, M292I, M540I, M586I, M691I, M703I, M721I, M736I.
Identifiers: ClinVar variation 4823109 (VCV004823109.4).
Genomic context (GRCh38, chr16:2,072,363, plus strand): 5'-AGTGCTCATCTTTACTTCCCCTTGCAGTGTGGACCAGCTGTGCTCTGCTCTCTGCTCCAT[G>T]GTACCATGGCCGGCCTGGGGTTGGGGTGGGGGACCCAGTAGGGTTTTTCCCCAAAAGACT-3'
Protein context (NP_000539.2, residues 730-750): VDQLCSALCS[Met740Ile]LSGPKTLERL

ClinVar aggregate classification (germline): Uncertain significance (1 of 4 stars; one submission).

Submission:

CeGaT Center for Human Genetics Tuebingen
Classification: Uncertain significance. Last evaluated: 2026-01-01. Review status: criteria provided, single submitter. Criteria: CeGaT Center For Human Genetics Tuebingen Variant Classification Criteria Version 2. Collection method: clinical testing. Allele origin: germline. Affected: yes. Observed: 1 variant allele.
Comment: TSC2: PM2, PP3